The following is an entry in ClinVar:

ClinVar aggregate classification (germline): Conflicting classifications of pathogenicity. Review status: criteria provided, conflicting classifications (1 of 4 stars). 5 submissions from 5 submitters: Uncertain significance (4); Likely benign (1). Last evaluated 2026-10-01.

Conditions:
Hereditary cancer-predisposing syndrome. Also called: Hereditary neoplastic syndrome; Tumor predisposition; Neoplastic Syndromes, Hereditary; Hereditary Cancer Syndrome. Identifiers: Orphanet 140162, MedGen C0027672, MeSH D009386, MONDO:0015356.
Intellectual disability, autosomal dominant 16 (CSS4). Also called: COFFIN-SIRIS SYNDROME 4. Identifiers: Orphanet 1465, MedGen C3553249, MONDO:0013821, OMIM 614609.
Rhabdoid tumor predisposition syndrome 2 (RTPS2). Identifiers: Orphanet 231108, Orphanet 69077, MedGen C2750074, MONDO:0013224, OMIM 613325.

Allele frequency attached by ClinVar (database versions not stated): gnomAD exomes below 0.00001 and 0.00001; ExAC 0.00002; gnomAD 0.00002; TOPMed 0.00002.
gnomAD v4.1: 5 of 1,614,086 alleles (0.00031%); highest among the groups gnomAD compares: African/African-American, 0.0067%; no homozygotes.

Submissions (5):

St. Jude Molecular Pathology, St. Jude Children's Research Hospital
Classification: Uncertain significance for Rhabdoid tumor predisposition syndrome 2. Last evaluated: 2026-10-01. Review status: criteria provided, single submitter. Criteria: St. Jude Assertion Criteria 2020. Collection method: clinical testing. Allele origin: germline.
Comment: The SMARCA4 c.1755A>T p.(Lys585Asn) missense change has a maximum subpopulation frequency of 0.019% in gnomAD v2.1.1. The in silico tool REVEL predicts a benign effect on protein f unction, but to our knowledge this prediction has not been confirmed by functional studies. To our knowledge, this variant has not been reported in individuals with rhabdoid tumor predisposition syndrome. In summary, the evidence currently available is i nsufficient to determine the clinical significance of this variant. It has therefore been classified as of uncertain significance (VUS-Low).

Labcorp Genetics (formerly Invitae), Labcorp
Classification: Uncertain significance for Rhabdoid tumor predisposition syndrome 2. Last evaluated: 2025-09-23. Review status: criteria provided, single submitter. Criteria: Invitae Variant Classification Sherloc (09022015). Collection method: clinical testing. Allele origin: germline.
Comment: This sequence change replaces lysine, which is basic and polar, with asparagine, which is neutral and polar, at codon 585 of the SMARCA4 protein (p.Lys585Asn). This variant is present in population databases (rs772752194, gnomAD 0.02%). This variant has not been reported in the literature in individuals affected with SMARCA4-related conditions. ClinVar contains an entry for this variant (Variation ID: 470255). Invitae Evidence Modeling of protein sequence and biophysical properties (such as structural, functional, and spatial information, amino acid conservation, physicochemical variation, residue mobility, and thermodynamic stability) has been performed for this missense variant. However, the output from this modeling did not meet the statistical confidence thresholds required to predict the impact of this variant on SMARCA4 protein function. In summary, the available evidence is currently insufficient to determine the role of this variant in disease. Therefore, it has been classified as a Variant of Uncertain Significance.

Baylor Genetics
Classification: Uncertain significance for Rhabdoid tumor predisposition syndrome 2. Last evaluated: 2023-08-23. Review status: criteria provided, single submitter. Criteria: ACMG Guidelines, 2015. Collection method: clinical testing. Allele origin: unknown.

Ambry Genetics
Classification: Likely benign for Hereditary cancer-predisposing syndrome. Last evaluated: 2023-05-25. Review status: criteria provided, single submitter. Criteria: Ambry Variant Classification Scheme 2023. Collection method: clinical testing. Allele origin: germline.

Genome-Nilou Lab
Classification: Uncertain significance for Intellectual disability, autosomal dominant 16. Last evaluated: 2021-07-15. Review status: criteria provided, single submitter. Criteria: ACMG Guidelines, 2015. Collection method: clinical testing. Allele origin: germline. Affected: no.

NM_003072.5(SMARCA4):c.1755A>T (p.Lys585Asn)

Gene: SMARCA4 (SWI/SNF related BAF chromatin remodeling complex subunit ATPase 4; plus strand). Cytogenetic location: 19p13.2.
Variant type: single nucleotide variant.
Coding change: c.1755A>T on transcript NM_003072.5 (MANE Select); coding-DNA position 1755, A replaced by T.
Protein change: p.Lys585Asn; replaces lysine 585 with asparagine.
Molecular consequence: missense variant. On other transcripts: non-coding transcript variant (1).
Genome position (GRCh38, 1-based): chr19:10,996,374, A>T. VCF-style: chr19-10996374-A-T. GRCh37 (hg19) VCF-style: chr19-11107050-A-T.
Other names: c.1755A>T (NM_001128849.2); c.1755A>T, p.Lys585Asn (NM_001128844.3, NM_001128845.2, NM_001128846.2 and 5 more transcripts); short protein forms K585N.
Identifiers: ClinVar variation 470255 (VCV000470255.17), dbSNP rs772752194, ClinGen allele CA9203862.